The following is an entry in ClinVar:

ClinVar aggregate classification (germline): Uncertain significance (1 of 4 stars; one submission).

gnomAD v4.1: 6 of 1,613,734 alleles (0.00037%); highest among the groups gnomAD compares: East Asian, 0.011%; no homozygotes.

Submission:

Labcorp Genetics (formerly Invitae), Labcorp
Classification: Uncertain significance. Last evaluated: 2024-10-05. Review status: criteria provided, single submitter. Criteria: Invitae Variant Classification Sherloc (09022015). Collection method: clinical testing. Allele origin: germline.
Comment: This sequence change replaces histidine, which is basic and polar, with glutamine, which is neutral and polar, at codon 641 of the TCF3 protein (p.His641Gln). This variant is present in population databases (rs763400976, gnomAD 0.03%). This variant has not been reported in the literature in individuals affected with TCF3-related conditions. Invitae Evidence Modeling of protein sequence and biophysical properties (such as structural, functional, and spatial information, amino acid conservation, physicochemical variation, residue mobility, and thermodynamic stability) indicates that this missense variant is not expected to disrupt TCF3 protein function with a negative predictive value of 80%. In summary, the available evidence is currently insufficient to determine the role of this variant in disease. Therefore, it has been classified as a Variant of Uncertain Significance.

NM_003200.5(TCF3):c.1923C>A (p.His641Gln)

Gene: TCF3 (transcription factor 3; minus strand). Cytogenetic location: 19p13.3.
Variant type: single nucleotide variant.
Coding change: c.1923C>A on transcript NM_003200.5 (MANE Select); coding-DNA position 1923, C replaced by A.
Protein change: p.His641Gln; replaces histidine 641 with glutamine.
Molecular consequence: missense variant.
Genome position (GRCh38, 1-based): chr19:1,611,749, G>T on the plus strand (C>A on the coding strand, the complement: TCF3 is on the minus strand). VCF-style: chr19-1611749-G-T. GRCh37 (hg19) VCF-style: chr19-1611748-G-T.
Other names: c.1914C>A, p.His638Gln (NM_001136139.4, NM_001351779.2); c.1920C>A, p.His640Gln (NM_001351778.2); short protein forms H638Q, H640Q, H641Q.
Identifiers: ClinVar variation 3701972 (VCV003701972.2).